The following is an entry in ClinVar:

ClinVar aggregate classification (germline): Likely benign (1 of 4 stars; one submission).

gnomAD v4.1: 59 of 1,597,506 alleles (0.0037%); highest among the groups gnomAD compares: Middle Eastern, 0.017%; no homozygotes.

Submission:

CeGaT Center for Human Genetics Tuebingen
Classification: Likely benign. Last evaluated: 2024-09-01. Review status: criteria provided, single submitter. Criteria: CeGaT Center For Human Genetics Tuebingen Variant Classification Criteria Version 2. Collection method: clinical testing. Allele origin: germline. Affected: yes. Observed: 1 variant allele.
Comment: BLTP1: BP4, BP7

NM_001384125.1(BLTP1):c.702T>C (p.Tyr234=)

Gene: BLTP1 (bridge-like lipid transfer protein family member 1; plus strand). Cytogenetic location: 4q27.
Variant type: single nucleotide variant.
Coding change: c.702T>C on transcript NM_001384125.1 (MANE Select); coding-DNA position 702, T replaced by C.
Protein change: p.Tyr234=; no amino-acid change (tyrosine 234 retained).
Molecular consequence: synonymous variant.
Genome position (GRCh38, 1-based): chr4:122,187,969, T>C. VCF-style: chr4-122187969-T-C. GRCh37 (hg19) VCF-style: chr4-123109124-T-C.
Other names: c.702T>C, p.Tyr234= (NM_015312.4).
Identifiers: ClinVar variation 3389178 (VCV003389178.14).